The following is an entry in ClinVar:

NM_007294.4(BRCA1):c.4676-1025G>A

Gene: BRCA1 (BRCA1 DNA repair associated; minus strand). Cytogenetic location: 17q21.31.
Variant type: single nucleotide variant.
Coding change: c.4676-1025G>A on transcript NM_007294.4 (MANE Select); 1025 bases into the intron before coding-DNA position 4676, G replaced by A.
Molecular consequence: intron variant.
Genome position (GRCh38, 1-based): chr17:43,072,263, C>T on the plus strand (G>A on the coding strand, the complement: BRCA1 is on the minus strand). VCF-style: chr17-43072263-C-T. GRCh37 (hg19) VCF-style: chr17-41224280-C-T.
Other names: IVS 15-1025G>A; c.4670-1025G>A (NM_001407639.1, NM_001407630.1, NM_001407633.1 and 14 more transcripts); c.4673-1025G>A (NM_001407859.1, NM_001407620.1, NM_001407623.1 and 17 more transcripts); c.4676-1025G>A (NM_001407597.1, NM_001407605.1, NM_001407684.1 and 8 more transcripts); c.4742-1025G>A (NM_001407582.1, NM_001407581.1); c.4460-1025G>A (NM_001407917.1, NM_001407918.1, NM_001407915.1 and 1 more transcripts); c.1223-1025G>A (NM_001408462.1, NM_001408458.1, NM_001408461.1 and 7 more transcripts); c.4463-1025G>A (NM_001407902.1, NM_001407897.1, NM_001407908.1 and 12 more transcripts); and 72 more.
Identifiers: ClinVar variation 209362 (VCV000209362.2), dbSNP rs138082324, ClinGen allele CA276334.

ClinVar aggregate classification (germline): Benign (3 of 4 stars; one submission).

Conditions:
Breast-ovarian cancer, familial, susceptibility to, 1 (BROVCA1). Also called: BRCA1 Hereditary Breast and Ovarian Cancer; OVARIAN CANCER, SUSCEPTIBILITY TO. Identifiers: Orphanet 145, MedGen C2676676, MONDO:0011450, OMIM 604370. Disease mechanism: loss of function.

Allele frequency attached by ClinVar (database versions not stated): gnomAD 0.01020 and 0.01093; 1000 Genomes Project 0.01138; TOPMed 0.01179; 1000 Genomes Project 30x 0.01265.
gnomAD v4.1: 1,533 of 151,704 alleles (1%); highest among the groups gnomAD compares: African/African-American, 3.5%; 42 homozygotes.

Submission:

Evidence-based Network for the Interpretation of Germline Mutant Alleles (ENIGMA)
Classification: Benign for Breast-ovarian cancer, familial 1. Last evaluated: 2015-01-12. Review status: reviewed by expert panel. Criteria: ENIGMA BRCA1/2 Classification Criteria (2015). Collection method: curation. Allele origin: germline.
Comment: Class 1 not pathogenic based on frequency >1% in an outbred sampleset. Frequency 0.07317 (African), derived from 1000 genomes (2012-04-30).